The following is an entry in ClinVar:

NM_004423.4(DVL3):c.496C>T (p.Arg166Trp)

Gene: DVL3 (dishevelled segment polarity protein 3; plus strand). Cytogenetic location: 3q27.1.
Variant type: single nucleotide variant.
Coding change: c.496C>T on transcript NM_004423.4 (MANE Select); coding-DNA position 496, C replaced by T.
Protein change: p.Arg166Trp; replaces arginine 166 with tryptophan.
Molecular consequence: missense variant.
Genome position (GRCh38, 1-based): chr3:184,164,828, C>T. VCF-style: chr3-184164828-C-T. GRCh37 (hg19) VCF-style: chr3-183882616-C-T.
Other names: c.496C>T (NM_004423.3); short protein forms R166W.
Identifiers: ClinVar variation 1518953 (VCV001518953.9), dbSNP rs746606032, ClinGen allele CA2727118.
Genomic context (GRCh38, chr3:184,164,828, plus strand): 5'-TAAACCCAACTGCTTCCATCCCCTGCAGCAACCCGGCTAAATGGAACTGCGAAGGGGGAA[C>T]GGCGGCGAGAACCAGGGGGTTATGATAGCTCATCCACCCTTATGAGCAGTGAGCTGGAGA-3'
Protein context (NP_004414.3, residues 156-176): TRLNGTAKGE[Arg166Trp]RREPGGYDSS

ClinVar aggregate classification (germline): Uncertain significance. Review status: criteria provided, multiple submitters, no conflicts (2 of 4 stars). 2 submissions from 2 submitters: Uncertain significance (2). Last evaluated 2026-01-01.

Conditions:
Inborn genetic diseases. Identifiers: MedGen C0950123, MeSH D030342.

Allele frequency attached by ClinVar (database versions not stated): ExAC 0.00001; gnomAD 0.00001; TOPMed 0.00001; gnomAD exomes 0.00004.

Submissions (2):

Labcorp Genetics (formerly Invitae), Labcorp
Classification: Uncertain significance. Last evaluated: 2026-01-01. Review status: criteria provided, single submitter. Criteria: Invitae Variant Classification Sherloc (09022015). Collection method: clinical testing. Allele origin: germline.
Comment: This sequence change replaces arginine, which is basic and polar, with tryptophan, which is neutral and slightly polar, at codon 166 of the DVL3 protein (p.Arg166Trp). This variant is present in population databases (rs746606032, gnomAD 0.01%). This variant has not been reported in the literature in individuals affected with DVL3-related conditions. ClinVar contains an entry for this variant (Variation ID: 1518953). Invitae Evidence Modeling of protein sequence and biophysical properties (such as structural, functional, and spatial information, amino acid conservation, physicochemical variation, residue mobility, and thermodynamic stability) indicates that this missense variant is not expected to disrupt DVL3 protein function with a negative predictive value of 80%. In summary, the available evidence is currently insufficient to determine the role of this variant in disease. Therefore, it has been classified as a Variant of Uncertain Significance.

Ambry Genetics
Classification: Uncertain significance for Inborn genetic diseases. Last evaluated: 2021-08-10. Review status: criteria provided, single submitter. Criteria: Ambry Variant Classification Scheme 2023. Collection method: clinical testing. Allele origin: germline.